The following is an entry in ClinVar:

ClinVar aggregate classification (germline): Likely pathogenic (1 of 4 stars; one submission).

Submission:

Labcorp Genetics (formerly Invitae), Labcorp
Classification: Likely pathogenic. Last evaluated: 2024-01-25. Review status: criteria provided, single submitter. Criteria: Invitae Variant Classification Sherloc (09022015). Collection method: clinical testing. Allele origin: germline.
Comment: This sequence change affects an acceptor splice site in intron 15 of the MCM3AP gene. It is expected to disrupt RNA splicing. Variants that disrupt the donor or acceptor splice site typically lead to a loss of protein function (PMID: 16199547), and loss-of-function variants in MCM3AP are known to be pathogenic (PMID: 28633435). This variant is not present in population databases (gnomAD no frequency). This variant has not been reported in the literature in individuals affected with MCM3AP-related conditions. Algorithms developed to predict the effect of sequence changes on RNA splicing suggest that this variant may disrupt the consensus splice site. In summary, the currently available evidence indicates that the variant is pathogenic, but additional data are needed to prove that conclusively. Therefore, this variant has been classified as Likely Pathogenic.

Literature cited by the submitters: PubMed 16199547; PubMed 28633435.

NM_003906.5(MCM3AP):c.3582-2A>G

Gene: MCM3AP (minichromosome maintenance complex component 3 associated protein; minus strand). Cytogenetic location: 21q22.3.
Variant type: single nucleotide variant.
Coding change: c.3582-2A>G on transcript NM_003906.5 (MANE Select); the canonical splice acceptor site of the intron before coding-DNA position 3582, A replaced by G.
Molecular consequence: splice acceptor variant.
Genome position (GRCh38, 1-based): chr21:46,259,093, T>C on the plus strand (A>G on the coding strand, the complement: MCM3AP is on the minus strand). VCF-style: chr21-46259093-T-C. GRCh37 (hg19) VCF-style: chr21-47679007-T-C.
Identifiers: ClinVar variation 2710566 (VCV002710566.3), dbSNP rs2517368476, ClinGen allele CA410553206.